The following is an entry in ClinVar:

NM_001001957.2(OR2W3):c.556C>T (p.Arg186Trp)

Gene: OR2W3 (olfactory receptor family 2 subfamily W member 3; plus strand). Cytogenetic location: 1q44.
Variant type: single nucleotide variant.
Coding change: c.556C>T on transcript NM_001001957.2 (MANE Select); coding-DNA position 556, C replaced by T.
Protein change: p.Arg186Trp; replaces arginine 186 with tryptophan.
Molecular consequence: missense variant.
Genome position (GRCh38, 1-based): chr1:247,896,142, C>T. VCF-style: chr1-247896142-C-T. GRCh37 (hg19) VCF-style: chr1-248059444-C-T.
Other names: short protein forms R186W.
Identifiers: ClinVar variation 1415381 (VCV001415381.6), dbSNP rs766648870, ClinGen allele CA1498632.

ClinVar aggregate classification (germline): Uncertain significance (1 of 4 stars; one submission).

Allele frequency attached by ClinVar (database versions not stated): gnomAD 0.00001; ExAC 0.00002.

Submission:

Labcorp Genetics (formerly Invitae), Labcorp
Classification: Uncertain significance. Last evaluated: 2023-03-14. Review status: criteria provided, single submitter. Criteria: Invitae Variant Classification Sherloc (09022015). Collection method: clinical testing. Allele origin: germline.
Comment: This variant is present in population databases (rs766648870, gnomAD 0.01%). This sequence change replaces arginine, which is basic and polar, with tryptophan, which is neutral and slightly polar, at codon 186 of the OR2W3 protein (p.Arg186Trp). This variant has not been reported in the literature in individuals affected with OR2W3-related conditions. In summary, the available evidence is currently insufficient to determine the role of this variant in disease. Therefore, it has been classified as a Variant of Uncertain Significance. An algorithm developed to predict the effect of missense changes on protein structure and function (PolyPhen-2) suggests that this variant is likely to be disruptive. ClinVar contains an entry for this variant (Variation ID: 1415381).